The following is an entry in ClinVar:

ClinVar aggregate classification (germline): Uncertain significance (1 of 4 stars; one submission).

Allele frequency attached by ClinVar (database versions not stated): gnomAD exomes below 0.00001.
gnomAD v4.1: 4 of 1,614,136 alleles (0.00025%); highest among the groups gnomAD compares: Non-Finnish European, 0.00034%; no homozygotes.

Submission:

Labcorp Genetics (formerly Invitae), Labcorp
Classification: Uncertain significance. Last evaluated: 2022-07-14. Review status: criteria provided, single submitter. Criteria: Invitae Variant Classification Sherloc (09022015). Collection method: clinical testing. Allele origin: germline.
Comment: In summary, the available evidence is currently insufficient to determine the role of this variant in disease. Therefore, it has been classified as a Variant of Uncertain Significance. Algorithms developed to predict the effect of missense changes on protein structure and function are either unavailable or do not agree on the potential impact of this missense change (SIFT: "Deleterious"; PolyPhen-2: "Benign"; Align-GVGD: "Class C0"). This variant has not been reported in the literature in individuals affected with DRAM2-related conditions. This variant is not present in population databases (gnomAD no frequency). This sequence change replaces isoleucine, which is neutral and non-polar, with threonine, which is neutral and polar, at codon 36 of the DRAM2 protein (p.Ile36Thr).

NM_001349884.2(DRAM2):c.107T>C (p.Ile36Thr)

Gene: DRAM2 (DNA damage regulated autophagy modulator 2; minus strand). Cytogenetic location: 1p13.3.
Variant type: single nucleotide variant.
Coding change: c.107T>C on transcript NM_001349884.2 (MANE Select); coding-DNA position 107, T replaced by C.
Protein change: p.Ile36Thr; replaces isoleucine 36 with threonine.
Molecular consequence: missense variant. On other transcripts: 5 prime UTR variant (8), non-coding transcript variant (8).
Genome position (GRCh38, 1-based): chr1:111,131,448, A>G on the plus strand (T>C on the coding strand, the complement: DRAM2 is on the minus strand). VCF-style: chr1-111131448-A-G. GRCh37 (hg19) VCF-style: chr1-111674070-A-G.
Other names: c.107T>C, p.Ile36Thr (NM_001349881.2, NM_001349882.2, NM_001349885.2 and 1 more transcripts); c.-52T>C (NM_001349886.2, NM_001349887.2, NM_001349888.2); c.-144T>C (NM_001349889.2, NM_001349890.2, NM_001349892.2 and 1 more transcripts); c.-312T>C (NM_001349891.2); short protein forms I36T.
Identifiers: ClinVar variation 1909034 (VCV001909034.5), dbSNP rs2523904217, ClinGen allele CA341819652.
Genomic context (GRCh38, chr1:111,131,448, plus strand): 5'-AAAGAGTCTCCTATACAAAGAATACATTTCACTTACCTGATATAAGGTAAAGCCGGGTCT[A>G]TATGGTGGAGTGTTACTGCAGTAATGTATGAAAATATGAAAGCAGCAGATGTCCAAATTA-3'
Protein context (NP_001336813.1, residues 26-46): SYITAVTLHH[Ile36Thr]DPALPYISDT